The following is an entry in ClinVar:

ClinVar aggregate classification (germline): Likely benign (1 of 4 stars; one submission).

Conditions:
Familial adenomatous polyposis 1 (FAP1). Also called: POLYPOSIS, ADENOMATOUS INTESTINAL; FAMILIAL ADENOMATOUS POLYPOSIS 1, ATTENUATED. Identifiers: MedGen C2713442, MONDO:0021056, OMIM 175100. Disease mechanism: loss of function.

Submission:

Myriad Genetics, Inc.
Classification: Likely benign for Familial adenomatous polyposis 1. Last evaluated: 2024-03-08. Review status: criteria provided, single submitter. Criteria: Myriad Autosomal Dominant, Autosomal Recessive and X-Linked Classification Criteria (2023). Collection method: clinical testing. Allele origin: unknown.
Comment: This variant is considered likely benign. This variant is intronic and is not expected to impact mRNA splicing.

NM_000038.6(APC):c.1959-12A>T

Gene: APC (APC regulator of Wnt signaling pathway; plus strand). Cytogenetic location: 5q22.2.
Variant type: single nucleotide variant.
Coding change: c.1959-12A>T on transcript NM_000038.6 (MANE Select); 12 bases into the intron before coding-DNA position 1959, A replaced by T.
Molecular consequence: intron variant.
Genome position (GRCh38, 1-based): chr5:112,837,541, A>T. VCF-style: chr5-112837541-A-T. GRCh37 (hg19) VCF-style: chr5-112173238-A-T.
Other names: c.1110-12A>T (NM_001407470.1, NM_001354906.2); c.807-12A>T (NM_001407472.1, NM_001407471.1); c.2013-12A>T (NM_001407447.1, NM_001407448.1, NM_001407449.1 and 1 more transcripts); c.1959-12A>T (NM_001354895.2, NM_001407450.1, NM_001127510.3); c.1710-12A>T (NM_001407456.1, NM_001407457.1, NM_001407455.1 and 1 more transcripts); c.1656-12A>T (NM_001407460.1, NM_001407458.1, NM_001407459.1 and 1 more transcripts); c.1929-12A>T (NM_001407452.1); c.1572-12A>T (NM_001407469.1, NM_001407467.1); and 11 more.
Identifiers: ClinVar variation 3148757 (VCV003148757.1), dbSNP rs2533386808, ClinGen allele CA2825001366.